The following is an entry in ClinVar:

ClinVar aggregate classification (germline): Uncertain significance (1 of 4 stars; one submission).

gnomAD v4.1: 15 of 1,202,657 alleles (0.0012%); highest among the groups gnomAD compares: Non-Finnish European, 0.0017%; no homozygotes.

Submission:

Labcorp Genetics (formerly Invitae), Labcorp
Classification: Uncertain significance. Last evaluated: 2024-01-16. Review status: criteria provided, single submitter. Criteria: Invitae Variant Classification Sherloc (09022015). Collection method: clinical testing. Allele origin: germline.
Comment: This sequence change replaces arginine, which is basic and polar, with serine, which is neutral and polar, at codon 59 of the HCCS protein (p.Arg59Ser). This variant is present in population databases (rs200354469, gnomAD 0.002%), including at least one homozygous and/or hemizygous individual. This variant has not been reported in the literature in individuals affected with HCCS-related conditions. Advanced modeling of protein sequence and biophysical properties (such as structural, functional, and spatial information, amino acid conservation, physicochemical variation, residue mobility, and thermodynamic stability) performed at Invitae indicates that this missense variant is not expected to disrupt HCCS protein function with a negative predictive value of 80%. In summary, the available evidence is currently insufficient to determine the role of this variant in disease. Therefore, it has been classified as a Variant of Uncertain Significance.

NM_005333.5(HCCS):c.175C>A (p.Arg59Ser)

Gene: HCCS (holocytochrome c synthase; plus strand). Cytogenetic location: Xp22.2.
Variant type: single nucleotide variant.
Coding change: c.175C>A on transcript NM_005333.5 (MANE Select); coding-DNA position 175, C replaced by A.
Protein change: p.Arg59Ser; replaces arginine 59 with serine.
Molecular consequence: missense variant.
Genome position (GRCh38, 1-based): chrX:11,114,909, C>A. VCF-style: chrX-11114909-C-A. GRCh37 (hg19) VCF-style: chrX-11133029-C-A.
Other names: c.175C>A, p.Arg59Ser (NM_001122608.3, NM_001171991.3); short protein forms R59S.
Identifiers: ClinVar variation 2725828 (VCV002725828.3), dbSNP rs200354469, ClinGen allele CA10347790.
Genomic context (GRCh38, chrX:11,114,909, plus strand): 5'-ACAGAGCCATCTGGCCCAACCTGTGAGAAGAAAACATACTCTGTGCCTGCCCACCAGGAA[C>A]GCGCCTATGAGTACGTGGAGTGTCCCATTAGGGGCACTGCGGCTGAGAATAAGGAGAACC-3'
Protein context (NP_005324.3, residues 49-69): KTYSVPAHQE[Arg59Ser]AYEYVECPIR